The following is an entry in ClinVar:

ClinVar aggregate classification (germline): Benign (1 of 4 stars; one submission).

Submission:

GeneDx
Classification: Benign. Last evaluated: 2018-06-14. Review status: criteria provided, single submitter. Criteria: GeneDx Variant Classification (06012015). Collection method: clinical testing. Allele origin: germline. Affected: yes.
Comment: This variant is considered likely benign or benign based on one or more of the following criteria: it is a conservative change, it occurs at a poorly conserved position in the protein, it is predicted to be benign by multiple in silico algorithms, and/or has population frequency not consistent with disease.

NM_017617.5(NOTCH1):c.3171+78dup

Gene: NOTCH1 (notch receptor 1; minus strand). Cytogenetic location: 9q34.3.
Variant type: Duplication.
Coding change: c.3171+78dup on transcript NM_017617.5 (MANE Select); 78 bases into the intron after coding-DNA position 3171, one base duplicated (C; older notation c.3171+78dupC).
Molecular consequence: intron variant.
Genome position (GRCh38, 1-based): chr9:136,508,789, G duplicated on the plus strand (C on the coding strand, the reverse complement: NOTCH1 is on the minus strand); the first of 4 consecutive G bases (chr9:136,508,789-136,508,792); duplicating any one gives the same sequence. VCF-style (leftmost placement, unchanged base first): chr9-136508788-T-TG. GRCh37 (hg19) VCF-style: chr9-139403240-T-TG.
Identifiers: ClinVar variation 678555 (VCV000678555.1), dbSNP rs35987207, ClinGen allele CA201581022.